The following is an entry in ClinVar:

ClinVar aggregate classification (germline): Uncertain significance. Review status: criteria provided, multiple submitters, no conflicts (2 of 4 stars). 2 submissions from 2 submitters: Uncertain significance (2). Last evaluated 2022-09-22.

Conditions:
Inborn genetic diseases. Identifiers: MedGen C0950123, MeSH D030342.

Allele frequency attached by ClinVar (database versions not stated): gnomAD 0.00024; TOPMed 0.00025; 1000 Genomes Project 30x 0.00031; ExAC 0.00031; ESP Exome Variant Server 0.00031; 1000 Genomes Project 0.00040.
gnomAD v4.1: 663 of 1,594,284 alleles (0.042%); highest among the groups gnomAD compares: Non-Finnish European, 0.053%; no homozygotes.

Submissions (2):

Ambry Genetics
Classification: Uncertain significance for Inborn genetic diseases. Last evaluated: 2022-09-22. Review status: criteria provided, single submitter. Criteria: Ambry Variant Classification Scheme 2023. Collection method: clinical testing. Allele origin: germline.

Labcorp Genetics (formerly Invitae), Labcorp
Classification: Uncertain significance. Last evaluated: 2022-03-29. Review status: criteria provided, single submitter. Criteria: Invitae Variant Classification Sherloc (09022015). Collection method: clinical testing. Allele origin: germline.
Comment: This sequence change replaces glycine, which is neutral and non-polar, with glutamic acid, which is acidic and polar, at codon 2073 of the LAMA5 protein (p.Gly2073Glu). This variant is present in population databases (rs200678763, gnomAD 0.04%). This variant has not been reported in the literature in individuals affected with LAMA5-related conditions. Algorithms developed to predict the effect of missense changes on protein structure and function are either unavailable or do not agree on the potential impact of this missense change (SIFT: "Tolerated"; PolyPhen-2: "Possibly Damaging"; Align-GVGD: "Class C0"). In summary, the available evidence is currently insufficient to determine the role of this variant in disease. Therefore, it has been classified as a Variant of Uncertain Significance.

NM_005560.6(LAMA5):c.6218G>A (p.Gly2073Glu)

Gene: LAMA5 (laminin subunit alpha 5; minus strand). Cytogenetic location: 20q13.33.
Variant type: single nucleotide variant.
Coding change: c.6218G>A on transcript NM_005560.6 (MANE Select); coding-DNA position 6218, G replaced by A.
Protein change: p.Gly2073Glu; replaces glycine 2073 with glutamic acid.
Molecular consequence: missense variant.
Genome position (GRCh38, 1-based): chr20:62,322,397, C>T on the plus strand (G>A on the coding strand, the complement: LAMA5 is on the minus strand). VCF-style: chr20-62322397-C-T. GRCh37 (hg19) VCF-style: chr20-60897453-C-T.
Other names: c.6218G>A (NM_005560.3); short protein forms G2073E.
Identifiers: ClinVar variation 2048901 (VCV002048901.2), dbSNP rs200678763, ClinGen allele CA9941845.